The following is an entry in ClinVar:

NM_001370259.2(MEN1):c.933C>T (p.Thr311=)

Gene: MEN1 (menin 1; minus strand). Cytogenetic location: 11q13.1.
Variant type: single nucleotide variant.
Coding change: c.933C>T on transcript NM_001370259.2 (MANE Select); coding-DNA position 933, C replaced by T.
Protein change: p.Thr311=; no amino-acid change (threonine 311 retained).
Molecular consequence: synonymous variant. On other transcripts: non-coding transcript variant (4).
Genome position (GRCh38, 1-based): chr11:64,806,348, G>A on the plus strand (C>T on the coding strand, the complement: MEN1 is on the minus strand). VCF-style: chr11-64806348-G-A. GRCh37 (hg19) VCF-style: chr11-64573820-G-A.
Other names: c.828C>T, p.Thr276= (NM_001407149.1, NM_001407151.1, NM_001370262.2 and 2 more transcripts); c.948C>T, p.Thr316= (NM_001407150.1, NM_130800.3, NM_130801.3 and 5 more transcripts); c.933C>T, p.Thr311= (NM_001407152.1, NM_130799.3, NM_001370251.2 and 7 more transcripts).
Identifiers: ClinVar variation 1766621 (VCV001766621.8), dbSNP rs1592643965, ClinGen allele CA474983406.

ClinVar aggregate classification (germline): Benign/Likely benign. Review status: criteria provided, multiple submitters, no conflicts (2 of 4 stars). 3 submissions from 3 submitters: Benign (1); Likely benign (2). Last evaluated 2025-08-07.

Conditions:
Multiple endocrine neoplasia, type 1 (MEN1). Also called: MEN I; WERMER SYNDROME; Endocrine adenomatosis multiple; MEN 1; MEA I. Identifiers: Orphanet 652, MedGen C0025267, MeSH D018761, MONDO:0007540, OMIM 131100.
Hereditary cancer-predisposing syndrome. Also called: Neoplastic Syndromes, Hereditary; Tumor predisposition; Hereditary neoplastic syndrome; Hereditary Cancer Syndrome. Identifiers: Orphanet 140162, MedGen C0027672, MeSH D009386, MONDO:0015356.

gnomAD v4.1: 11 of 1,614,204 alleles (0.00068%); highest among the groups gnomAD compares: Non-Finnish European, 0.00093%; no homozygotes.

Submissions (3):

Labcorp Genetics (formerly Invitae), Labcorp
Classification: Likely benign for Multiple endocrine neoplasia, type 1. Last evaluated: 2025-08-07. Review status: criteria provided, single submitter. Criteria: Invitae Variant Classification Sherloc (09022015). Collection method: clinical testing. Allele origin: germline.

Myriad Genetics, Inc.
Classification: Benign for Multiple endocrine neoplasia, type 1. Last evaluated: 2024-11-04. Review status: criteria provided, single submitter. Criteria: Myriad Autosomal Dominant, Autosomal Recessive and X-Linked Classification Criteria (2023). Collection method: clinical testing. Allele origin: unknown.
Comment: This variant is considered benign. This variant is a silent/synonymous amino acid change and it is not expected to impact splicing.

Ambry Genetics
Classification: Likely benign for Hereditary cancer-predisposing syndrome. Last evaluated: 2021-04-26. Review status: criteria provided, single submitter. Criteria: Ambry Variant Classification Scheme 2023. Collection method: clinical testing. Allele origin: germline.